The following is an entry in ClinVar:

ClinVar aggregate classification (germline): Conflicting classifications of pathogenicity. Review status: criteria provided, conflicting classifications (1 of 4 stars). 6 submissions from 6 submitters: Uncertain significance (2); Benign (1); Likely benign (2). 1 of the submissions does not count toward it. Last evaluated 2025-09-24.

Conditions:
GRIN2B-related disorder. Also called: GRIN2B-related condition.
Intellectual developmental disorder, autosomal dominant 6, with or without seizures. Also called: Intellectual disability, autosomal dominant 6; GRIN2B-related developmental delay, intellectual disability and autism spectrum disorder. Identifiers: Orphanet 589547, MedGen C3151411, MONDO:0013509, OMIM 613970.
Developmental and epileptic encephalopathy, 27 (DEE27). Also called: Epileptic encephalopathy, early infantile, 27; GRIN2B-Related Neurodevelopmental Disorder. Identifiers: Orphanet 3451, MedGen C4015316, MONDO:0014505, OMIM 616139.
Inborn genetic diseases. Identifiers: MedGen C0950123, MeSH D030342.

Allele frequency attached by ClinVar (database versions not stated): gnomAD exomes 0.00002 and 0.00007; ExAC 0.00003; ESP Exome Variant Server 0.00015; 1000 Genomes Project 30x 0.00016; 1000 Genomes Project 0.00020; TOPMed 0.00026; gnomAD 0.00027 and 0.00029.
gnomAD v4.1: 78 of 1,614,196 alleles (0.0048%); highest among the groups gnomAD compares: African/African-American, 0.076%; no homozygotes.

Submissions (6):

Labcorp Genetics (formerly Invitae), Labcorp
Classification: Likely benign for Developmental and epileptic encephalopathy, 27; Intellectual developmental disorder, autosomal dominant 6, with or without seizures. Last evaluated: 2025-09-24. Review status: criteria provided, single submitter. Criteria: Invitae Variant Classification Sherloc (09022015). Collection method: clinical testing. Allele origin: germline.

Ambry Genetics
Classification: Likely benign for Inborn genetic diseases. Last evaluated: 2021-09-01. Review status: criteria provided, single submitter. Criteria: Ambry Variant Classification Scheme 2023. Collection method: clinical testing. Allele origin: germline.

GeneDx
Classification: Benign. Last evaluated: 2020-01-06. Review status: criteria provided, single submitter. Criteria: GeneDx Variant Classification Process June 2021. Collection method: clinical testing. Allele origin: germline. Affected: yes.

Revvity Omics, Revvity
Classification: Uncertain significance. Last evaluated: 2019-11-06. Review status: criteria provided, single submitter. Criteria: ACMG Guidelines, 2015. Collection method: clinical testing. Allele origin: germline.

Eurofins Ntd Llc (ga)
Classification: Uncertain significance. Last evaluated: 2018-06-26. Review status: criteria provided, single submitter. Criteria: EGL ClinVar v180209 classification definitions. Collection method: clinical testing. Allele origin: germline. Observed: 1 variant allele, 1 heterozygote.

PreventionGenetics, part of Exact Sciences
Classification: Likely benign for GRIN2B-related condition. Last evaluated: 2023-10-13. Review status: no assertion criteria provided. Collection method: clinical testing. Allele origin: germline. Not counted in ClinVar's aggregate classification.
Comment: This variant is classified as likely benign based on ACMG/AMP sequence variant interpretation guidelines (Richards et al. 2015 PMID: 25741868, with internal and published modifications).

NM_000834.5(GRIN2B):c.2931C>G (p.Asp977Glu)

Gene: GRIN2B (glutamate ionotropic receptor NMDA type subunit 2B; minus strand). Cytogenetic location: 12p13.1.
Variant type: single nucleotide variant.
Coding change: c.2931C>G on transcript NM_000834.5 (MANE Select); coding-DNA position 2931, C replaced by G.
Protein change: p.Asp977Glu; replaces aspartic acid 977 with glutamic acid.
Molecular consequence: missense variant.
Genome position (GRCh38, 1-based): chr12:13,564,307, G>C on the plus strand (C>G on the coding strand, the complement: GRIN2B is on the minus strand). VCF-style: chr12-13564307-G-C. GRCh37 (hg19) VCF-style: chr12-13717241-G-C.
Other names: p.D977E:GAC>GAG; short protein forms D977E.
Identifiers: ClinVar variation 205713 (VCV000205713.26), dbSNP rs147956755, ClinGen allele CA315054.